The following is an entry in ClinVar:

ClinVar aggregate classification (germline): Uncertain significance. Review status: criteria provided, multiple submitters, no conflicts (2 of 4 stars). 2 submissions from 2 submitters: Uncertain significance (2). Last evaluated 2026-04-01.

Allele frequency attached by ClinVar (database versions not stated): ESP Exome Variant Server 0.00015; gnomAD exomes 0.00015; 1000 Genomes Project 30x 0.00016; TOPMed 0.00017; gnomAD 0.00019; 1000 Genomes Project 0.00020; ExAC 0.00026.
gnomAD v4.1: 244 of 1,583,034 alleles (0.015%); highest among the groups gnomAD compares: Non-Finnish European, 0.018%; no homozygotes.

Submissions (2):

CeGaT Center for Human Genetics Tuebingen
Classification: Uncertain significance. Last evaluated: 2026-04-01. Review status: criteria provided, single submitter. Criteria: CeGaT Center For Human Genetics Tuebingen Variant Classification Criteria Version 2. Collection method: clinical testing. Allele origin: germline. Affected: yes. Observed: 1 variant allele.
Comment: USP25: PP3

Ambry Genetics
Classification: Uncertain significance. Last evaluated: 2024-06-03. Review status: criteria provided, single submitter. Criteria: Ambry Variant Classification Scheme 2023. Collection method: clinical testing. Allele origin: germline.

NM_001283041.3(USP25):c.650G>A (p.Arg217Gln)

Gene: USP25 (ubiquitin specific peptidase 25; plus strand). Cytogenetic location: 21q21.1.
Variant type: single nucleotide variant.
Coding change: c.650G>A on transcript NM_001283041.3 (MANE Select); coding-DNA position 650, G replaced by A.
Protein change: p.Arg217Gln; replaces arginine 217 with glutamine.
Molecular consequence: missense variant. On other transcripts: 5 prime UTR variant (6).
Genome position (GRCh38, 1-based): chr21:15,805,128, G>A. VCF-style: chr21-15805128-G-A. GRCh37 (hg19) VCF-style: chr21-17177447-G-A.
Other names: c.650G>A, p.Arg217Gln (NM_001283042.3, NM_013396.6); c.-14G>A (NM_001352560.2, NM_001388299.1); c.-687G>A (NM_001352561.2, NM_001388301.1, NM_001388302.1); c.-435G>A (NM_001388300.1); short protein forms R217Q.
Identifiers: ClinVar variation 2363765 (VCV002363765.5), dbSNP rs145132387, ClinGen allele CA9981786.